The following is an entry in ClinVar:

NM_001114748.2(TMEM240):c.453C>T (p.Ala151=)

Gene: TMEM240 (transmembrane protein 240; minus strand). Cytogenetic location: 1p36.33.
Variant type: single nucleotide variant.
Coding change: c.453C>T on transcript NM_001114748.2 (MANE Select); coding-DNA position 453, C replaced by T.
Protein change: p.Ala151=; no amino-acid change (alanine 151 retained).
Molecular consequence: synonymous variant.
Genome position (GRCh38, 1-based): chr1:1,535,428, G>A on the plus strand (C>T on the coding strand, the complement: TMEM240 is on the minus strand). VCF-style: chr1-1535428-G-A. GRCh37 (hg19) VCF-style: chr1-1470808-G-A.
Other names: p.Ala151=.
Identifiers: ClinVar variation 593226 (VCV000593226.48), dbSNP rs199556012, ClinGen allele CA526634.

ClinVar aggregate classification (germline): Benign/Likely benign. Review status: criteria provided, multiple submitters, no conflicts (2 of 4 stars). 7 submissions from 7 submitters: Benign (4); Likely benign (3). Last evaluated 2026-10-01.

Allele frequency attached by ClinVar (database versions not stated): ExAC 0.00381; 1000 Genomes Project 0.00399; gnomAD 0.00737 and 0.00712; ESP Exome Variant Server 0.00788; gnomAD exomes 0.00416 and 0.00586; 1000 Genomes Project 30x 0.00453; TOPMed 0.00713.
gnomAD v4.1: 9,211 of 1,549,496 alleles (0.59%); highest among the groups gnomAD compares: African/African-American, 0.89%; 47 homozygotes.

Submissions (7):

CeGaT Center for Human Genetics Tuebingen
Classification: Likely benign. Last evaluated: 2026-10-01. Review status: criteria provided, single submitter. Criteria: CeGaT Center For Human Genetics Tuebingen Variant Classification Criteria Version 2. Collection method: clinical testing. Allele origin: germline. Affected: yes. Observed: 27 variant alleles.
Comment: TMEM240: BP4, BP7, BS2

Labcorp Genetics (formerly Invitae), Labcorp
Classification: Benign. Last evaluated: 2026-02-02. Review status: criteria provided, single submitter. Criteria: Invitae Variant Classification Sherloc (09022015). Collection method: clinical testing. Allele origin: germline.

Mayo Clinic Laboratories, Mayo Clinic
Classification: Likely benign. Last evaluated: 2025-08-20. Review status: criteria provided, single submitter. Criteria: ACMG Guidelines, 2015. Collection method: clinical testing. Allele origin: germline. Observed: 6 variant alleles.
Comment: BS2, BP4, BP7

Blueprint Genetics
Classification: Likely benign. Last evaluated: 2024-11-23. Review status: criteria provided, single submitter. Criteria: ACMG Guidelines, 2015. Collection method: clinical testing. Allele origin: germline.

GeneDx
Classification: Benign. Last evaluated: 2021-10-08. Review status: criteria provided, single submitter. Criteria: GeneDx Variant Classification Process June 2021. Collection method: clinical testing. Allele origin: germline. Affected: yes.

Eurofins Ntd Llc (ga)
Classification: Benign. Last evaluated: 2017-08-01. Review status: criteria provided, single submitter. Criteria: EGL Classification Definitions 2015. Collection method: clinical testing. Allele origin: germline. Observed: 1 variant allele, 1 heterozygote.

Breakthrough Genomics
Classification: Benign. Review status: criteria provided, single submitter. Criteria: ACMG Guidelines, 2015. Collection method: not provided. Allele origin: germline. Inheritance: Autosomal dominant inheritance. Affected: yes.